The following is an entry in ClinVar:

ClinVar aggregate classification (germline): Uncertain significance (1 of 4 stars; one submission).

Submission:

GeneDx
Classification: Uncertain significance. Last evaluated: 2025-01-07. Review status: criteria provided, single submitter. Criteria: GeneDx Variant Classification Process June 2021. Collection method: clinical testing. Allele origin: germline. Affected: yes.
Comment: Not observed at significant frequency in large population cohorts (gnomAD); In silico analysis supports that this missense variant has a deleterious effect on protein structure/function; Has not been previously published as pathogenic or benign to our knowledge

NM_016604.4(KDM3B):c.4583C>G (p.Pro1528Arg)

Gene: KDM3B (lysine demethylase 3B; plus strand). Cytogenetic location: 5q31.2.
Variant type: single nucleotide variant.
Coding change: c.4583C>G on transcript NM_016604.4 (MANE Select); coding-DNA position 4583, C replaced by G.
Protein change: p.Pro1528Arg; replaces proline 1528 with arginine.
Molecular consequence: missense variant.
Genome position (GRCh38, 1-based): chr5:138,427,269, C>G. VCF-style: chr5-138427269-C-G. GRCh37 (hg19) VCF-style: chr5-137762958-C-G.
Other names: short protein forms P1528R.
Identifiers: ClinVar variation 4057010 (VCV004057010.1).